The following is an entry in ClinVar:

ClinVar aggregate classification (germline): Likely benign. Review status: criteria provided, multiple submitters, no conflicts (2 of 4 stars). 4 submissions from 4 submitters: Likely benign (4). Last evaluated 2023-02-10.

Conditions:
Familial thoracic aortic aneurysm and aortic dissection (TAAD). Also called: Thoracic aortic aneurysms and dissections. Identifiers: Orphanet 91387, MedGen C4707243, MONDO:0019625.
Marfan syndrome (MFS). Also called: Marfan syndrome, classic; Marfan syndrome type 1; Marfan's syndrome; FBN1-Related Marfan Syndrome; MARFAN SYNDROME, TYPE I. Identifiers: Orphanet 284963, Orphanet 558, MedGen C0024796, MONDO:0007947, OMIM 154700.

Allele frequency attached by ClinVar (database versions not stated): gnomAD 0.00001; gnomAD exomes below 0.00001.
gnomAD v4.1: 5 of 1,614,032 alleles (0.00031%); highest among the groups gnomAD compares: African/African-American, 0.0013%; no homozygotes.

Submissions (4):

All of Us Research Program, National Institutes of Health
Classification: Likely benign for Marfan syndrome. Last evaluated: 2023-02-10. Review status: criteria provided, single submitter. Criteria: ACMG Guidelines, 2015. Collection method: clinical testing. Allele origin: germline. Inheritance: Autosomal dominant inheritance. Observed: 1 variant allele, 1 heterozygote.
Comment: This study involves interpretation of variants in research participants for the purpose of population health screening. Participant phenotype was not available at the time of variant classification. Additional details can be found in publication PMID: 35346344, PMCID: PMC8962531

Labcorp Genetics (formerly Invitae), Labcorp
Classification: Likely benign for Marfan syndrome; Familial thoracic aortic aneurysm and aortic dissection. Last evaluated: 2021-12-18. Review status: criteria provided, single submitter. Criteria: Invitae Variant Classification Sherloc (09022015). Collection method: clinical testing. Allele origin: germline.

Blueprint Genetics
Classification: Likely benign. Last evaluated: 2020-04-03. Review status: criteria provided, single submitter. Criteria: ACMG Guidelines, 2015. Collection method: clinical testing. Allele origin: germline.

Color Diagnostics, LLC DBA Color Health
Classification: Likely benign for Familial thoracic aortic aneurysm and aortic dissection. Last evaluated: 2020-02-03. Review status: criteria provided, single submitter. Criteria: ACMG Guidelines, 2015. Collection method: clinical testing. Allele origin: germline.

NM_000138.5(FBN1):c.8295T>A (p.Ala2765=)

Gene: FBN1 (fibrillin 1; minus strand). Cytogenetic location: 15q21.1.
Variant type: single nucleotide variant.
Coding change: c.8295T>A on transcript NM_000138.5 (MANE Select); coding-DNA position 8295, T replaced by A.
Protein change: p.Ala2765=; no amino-acid change (alanine 2765 retained).
Molecular consequence: synonymous variant.
Genome position (GRCh38, 1-based): chr15:48,411,311, A>T on the plus strand (T>A on the coding strand, the complement: FBN1 is on the minus strand). VCF-style: chr15-48411311-A-T. GRCh37 (hg19) VCF-style: chr15-48703508-A-T.
Identifiers: ClinVar variation 926800 (VCV000926800.12), dbSNP rs1417594908, ClinGen allele CA490119014.